The following is an entry in ClinVar:

NM_000112.4(SLC26A2):c.710G>T (p.Gly237Val)

Gene: SLC26A2 (solute carrier family 26 member 2; plus strand). Cytogenetic location: 5q32.
Variant type: single nucleotide variant.
Coding change: c.710G>T on transcript NM_000112.4 (MANE Select); coding-DNA position 710, G replaced by T.
Protein change: p.Gly237Val; replaces glycine 237 with valine.
Molecular consequence: missense variant.
Genome position (GRCh38, 1-based): chr5:149,980,303, G>T. VCF-style: chr5-149980303-G-T. GRCh37 (hg19) VCF-style: chr5-149359866-G-T.
Other names: short protein forms G237V.
Identifiers: ClinVar variation 905610 (VCV000905610.4), dbSNP rs1228615816, ClinGen allele CA361706096.

ClinVar aggregate classification (germline): Uncertain significance. Review status: criteria provided, single submitter (1 of 4 stars). 5 submissions from 1 submitter: Uncertain significance (5). Last evaluated 2017-04-27.

Conditions:
Sulfate transporter-related osteochondrodysplasia. Also called: DTDST-related dysplasias. Identifiers: MedGen CN120497. Disease mechanism: loss of function.
Achondrogenesis, type IB (ACG1B). Also called: Achondrogenesis Type 1B. Identifiers: Orphanet 932, Orphanet 93298, MedGen C0265274, MONDO:0010966, OMIM 600972.
Multiple epiphyseal dysplasia type 4 (EDM4). Also called: SLC26A2-Related Multiple Epiphyseal Dysplasia; MULTIPLE EPIPHYSEAL DYSPLASIA WITH BILAYERED PATELLAE; MULTIPLE EPIPHYSEAL DYSPLASIA WITH CLUBFOOT; MULTIPLE EPIPHYSEAL DYSPLASIA, AUTOSOMAL RECESSIVE; Multiple Epiphyseal Dysplasia, Recessive. Identifiers: Orphanet 93307, MedGen C1847593, MONDO:0009189, OMIM 226900.
Atelosteogenesis type II (AO2). Also called: Neonatal osseous dysplasia 1; NEONATAL OSSEOUS DYSPLASIA I; SLC26A2-Related Atelosteogenesis. Identifiers: Orphanet 56304, MedGen C1850554, MONDO:0009727, OMIM 256050.
Diastrophic dysplasia (DTD). Also called: Diastrophic dwarfism. Identifiers: Orphanet 628, MedGen C0220726, MONDO:0009107, OMIM 222600.

Allele frequency attached by ClinVar (database versions not stated): gnomAD exomes below 0.00001.
gnomAD v4.1: 1 of 1,613,800 alleles (0.000062%); highest among the groups gnomAD compares: East Asian, 0.0022%; no homozygotes.

Submissions (5):

Illumina Laboratory Services, Illumina
Classification: Uncertain significance for Multiple epiphyseal dysplasia type 4. Last evaluated: 2017-04-27. Review status: criteria provided, single submitter. Criteria: ICSL Variant Classification Criteria 13 December 2019. Collection method: clinical testing. Allele origin: germline.
Comment: This variant was observed as part of a predisposition screen in an ostensibly healthy population. A literature search was performed for the gene, cDNA change, and amino acid change (where applicable). Publications were found based on this search. However, the evidence from the literature, in combination with allele frequency data from public databases where available, was not sufficient to rule this variant in or out of causing disease. Therefore, this variant is classified as a variant of unknown significance.

Illumina Laboratory Services, Illumina
Classification: Uncertain significance for Atelosteogenesis type II. Last evaluated: 2017-04-27. Review status: criteria provided, single submitter. Criteria: ICSL Variant Classification Criteria 13 December 2019. Collection method: clinical testing. Allele origin: germline.

Illumina Laboratory Services, Illumina
Classification: Uncertain significance for Diastrophic dysplasia. Last evaluated: 2017-04-27. Review status: criteria provided, single submitter. Criteria: ICSL Variant Classification Criteria 13 December 2019. Collection method: clinical testing. Allele origin: germline.

Illumina Laboratory Services, Illumina
Classification: Uncertain significance for Osteochondrodysplasia. Last evaluated: 2017-04-27. Review status: criteria provided, single submitter. Criteria: ICSL Variant Classification Criteria 13 December 2019. Collection method: clinical testing. Allele origin: germline.

Illumina Laboratory Services, Illumina
Classification: Uncertain significance for Achondrogenesis, type IB. Last evaluated: 2017-04-27. Review status: criteria provided, single submitter. Criteria: ICSL Variant Classification Criteria 13 December 2019. Collection method: clinical testing. Allele origin: germline.

Literature cited by the submitters: PubMed 12525546.